The following is an entry in ClinVar:

NM_005751.5(AKAP9):c.4681G>T (p.Val1561Phe)

Gene: AKAP9 (A-kinase anchoring protein 9; plus strand). Cytogenetic location: 7q21.2.
Variant type: single nucleotide variant.
Coding change: c.4681G>T on transcript NM_005751.5 (MANE Select); coding-DNA position 4681, G replaced by T.
Protein change: p.Val1561Phe; replaces valine 1561 with phenylalanine.
Molecular consequence: missense variant.
Genome position (GRCh38, 1-based): chr7:92,038,761, G>T. VCF-style: chr7-92038761-G-T. GRCh37 (hg19) VCF-style: chr7-91668075-G-T.
Other names: c.4681G>T, p.Val1561Phe (NM_147185.3); short protein forms V1561F.
Identifiers: ClinVar variation 3225061 (VCV003225061.2), dbSNP rs372398605, ClinGen allele CA4336605.

ClinVar aggregate classification (germline): Uncertain significance. Review status: criteria provided, multiple submitters, no conflicts (2 of 4 stars). 2 submissions from 2 submitters: Uncertain significance (2). Last evaluated 2025-12-08.

Conditions:
Long QT syndrome (LQTS). Identifiers: MedGen C0023976, MeSH D008133, MONDO:0002442. Disease mechanism: loss of function. Inheritance: Various modes of inheritance.
Cardiovascular phenotype. Identifiers: MedGen CN230736.

Allele frequency attached by ClinVar (database versions not stated): gnomAD exomes below 0.00001; ExAC 0.00001; gnomAD 0.00001; TOPMed 0.00002; ESP Exome Variant Server 0.00008; 1000 Genomes Project 30x 0.00016; 1000 Genomes Project 0.00020.
gnomAD v4.1: 4 of 1,601,524 alleles (0.00025%); highest among the groups gnomAD compares: African/African-American, 0.004%; no homozygotes.

Submissions (2):

Labcorp Genetics (formerly Invitae), Labcorp
Classification: Uncertain significance for Long QT syndrome. Last evaluated: 2025-12-08. Review status: criteria provided, single submitter. Criteria: Invitae Variant Classification Sherloc (09022015). Collection method: clinical testing. Allele origin: germline.
Comment: This sequence change replaces valine, which is neutral and non-polar, with phenylalanine, which is neutral and non-polar, at codon 1561 of the AKAP9 protein (p.Val1561Phe). This variant is present in population databases (rs372398605, gnomAD 0.007%). This variant has not been reported in the literature in individuals affected with AKAP9-related conditions. ClinVar contains an entry for this variant (Variation ID: 3225061). An algorithm developed to predict the effect of missense changes on protein structure and function outputs the following: PolyPhen-2: "Benign". The phenylalanine amino acid residue is found in multiple mammalian species, which suggests that this missense change does not adversely affect protein function. In summary, the available evidence is currently insufficient to determine the role of this variant in disease. Therefore, it has been classified as a Variant of Uncertain Significance.

Ambry Genetics
Classification: Uncertain significance for Cardiovascular phenotype. Last evaluated: 2023-10-16. Review status: criteria provided, single submitter. Criteria: Ambry Variant Classification Scheme 2023. Collection method: clinical testing. Allele origin: germline.
Comment: The p.V1561F variant (also known as c.4681G>T), located in coding exon 17 of the AKAP9 gene, results from a G to T substitution at nucleotide position 4681. The valine at codon 1561 is replaced by phenylalanine, an amino acid with highly similar properties. This amino acid position is conserved. In addition, this alteration is predicted to be tolerated by in silico analysis. Since supporting evidence is limited at this time, the clinical significance of this alteration remains unclear.